The following is an entry in ClinVar:

NM_012330.4(KAT6B):c.1654A>G (p.Thr552Ala)

Gene: KAT6B (lysine acetyltransferase 6B; plus strand). Cytogenetic location: 10q22.2.
Variant type: single nucleotide variant.
Coding change: c.1654A>G on transcript NM_012330.4 (MANE Select); coding-DNA position 1654, A replaced by G.
Protein change: p.Thr552Ala; replaces threonine 552 with alanine.
Molecular consequence: missense variant. On other transcripts: intron variant (13).
Genome position (GRCh38, 1-based): chr10:74,975,991, A>G. VCF-style: chr10-74975991-A-G. GRCh37 (hg19) VCF-style: chr10-76735749-A-G.
Other names: c.1654A>G, p.Thr552Ala (NM_001370136.1, NM_001370137.1); c.1117+537A>G (NM_001370139.1, NM_001370140.1, NM_001370141.1 and 3 more transcripts); c.1444+210A>G (NM_001370138.1, NM_001256468.2); c.846+6216A>G (NM_001370133.1); c.193-3233A>G (NM_001370134.1); c.929-1325A>G (NM_001370143.1, NM_001370144.1); c.193-13028A>G (NM_001370135.1); short protein forms T552A.
Identifiers: ClinVar variation 1300579 (VCV001300579.12), dbSNP rs373962168, ClinGen allele CA5564450.

ClinVar aggregate classification (germline): Benign/Likely benign. Review status: criteria provided, multiple submitters, no conflicts (2 of 4 stars). 4 submissions from 4 submitters: Benign (2); Likely benign (1). 1 of the submissions does not count toward it. Last evaluated 2025-12-23.

Conditions:
KAT6B-related disorder. Also called: KAT6B-related disorders; KAT6B-related condition.
Genitopatellar syndrome (GTPTS). Also called: Genitopatellar syndrome (GPS); ABSENT PATELLAE, SCROTAL HYPOPLASIA, RENAL ANOMALIES, FACIAL DYSMORPHISM, AND MENTAL RETARDATION. Identifiers: Orphanet 85201, MedGen C1853566, MONDO:0011640, OMIM 606170.

Allele frequency attached by ClinVar (database versions not stated): gnomAD 0.00001 and 0.00014; TOPMed 0.00003; ESP Exome Variant Server 0.00008; gnomAD exomes 0.00023 and 0.00050; ExAC 0.00058; 1000 Genomes Project 30x 0.00094; 1000 Genomes Project 0.00100.
gnomAD v4.1: 382 of 1,614,070 alleles (0.024%); highest among the groups gnomAD compares: South Asian, 0.38%; 2 homozygotes.

Submissions (4):

Labcorp Genetics (formerly Invitae), Labcorp
Classification: Benign for Genitopatellar syndrome. Last evaluated: 2025-12-23. Review status: criteria provided, single submitter. Criteria: Invitae Variant Classification Sherloc (09022015). Collection method: clinical testing. Allele origin: germline.

Blueprint Genetics
Classification: Likely benign. Last evaluated: 2024-11-19. Review status: criteria provided, single submitter. Criteria: ACMG Guidelines, 2015. Collection method: clinical testing. Allele origin: germline.

GeneDx
Classification: Benign. Last evaluated: 2021-10-12. Review status: criteria provided, single submitter. Criteria: GeneDx Variant Classification Process June 2021. Collection method: clinical testing. Allele origin: germline. Affected: yes.

PreventionGenetics, part of Exact Sciences
Classification: Likely benign for KAT6B-related condition. Last evaluated: 2020-03-03. Review status: no assertion criteria provided. Collection method: clinical testing. Allele origin: germline. Not counted in ClinVar's aggregate classification.
Comment: This variant is classified as likely benign based on ACMG/AMP sequence variant interpretation guidelines (Richards et al. 2015 PMID: 25741868, with internal and published modifications).